The following is an entry in ClinVar:

ClinVar aggregate classification (germline): Uncertain significance (1 of 4 stars; one submission).

Allele frequency attached by ClinVar (database versions not stated): gnomAD exomes 0.00001; gnomAD 0.00002; TOPMed 0.00002.

Submission:

Labcorp Genetics (formerly Invitae), Labcorp
Classification: Uncertain significance. Last evaluated: 2022-09-27. Review status: criteria provided, single submitter. Criteria: Invitae Variant Classification Sherloc (09022015). Collection method: clinical testing. Allele origin: germline.
Comment: This sequence change replaces methionine, which is neutral and non-polar, with valine, which is neutral and non-polar, at codon 111 of the TANGO2 protein (p.Met111Val). This variant is present in population databases (no rsID available, gnomAD 0.002%). This variant has not been reported in the literature in individuals affected with TANGO2-related conditions. ClinVar contains an entry for this variant (Variation ID: 1373099). Algorithms developed to predict the effect of missense changes on protein structure and function output the following: SIFT: "Not Available"; PolyPhen-2: "Benign"; Align-GVGD: "Not Available". The valine amino acid residue is found in multiple mammalian species, which suggests that this missense change does not adversely affect protein function. In summary, the available evidence is currently insufficient to determine the role of this variant in disease. Therefore, it has been classified as a Variant of Uncertain Significance.

NM_152906.7(TANGO2):c.331A>G (p.Met111Val)

Gene: TANGO2 (transport and golgi organization 2 homolog; plus strand). Cytogenetic location: 22q11.21.
Variant type: single nucleotide variant.
Coding change: c.331A>G on transcript NM_152906.7 (MANE Select); coding-DNA position 331, A replaced by G.
Protein change: p.Met111Val; replaces methionine 111 with valine.
Molecular consequence: missense variant. On other transcripts: non-coding transcript variant (1), intron variant (18).
Genome position (GRCh38, 1-based): chr22:20,053,502, A>G. VCF-style: chr22-20053502-A-G. GRCh37 (hg19) VCF-style: chr22-20041025-A-G.
Other names: c.229A>G, p.Met77Val (NM_001322160.2, NM_001322146.2, NM_001322148.2); c.265+918A>G (NM_001322163.2, NM_001322167.2, NM_001283179.3 and 4 more transcripts); c.388+918A>G (NM_001322145.2, NM_001322147.2); c.86+918A>G (NM_001322174.2, NM_001322172.2, NM_001322175.2 and 6 more transcripts); c.331A>G, p.Met111Val (NM_001283106.3, NM_001283116.3, NM_001283148.3 and 3 more transcripts); c.454A>G, p.Met152Val (NM_001283129.3, NM_001283215.3, NM_001322141.2 and 3 more transcripts); short protein forms M152V, M111V, M77V.
Identifiers: ClinVar variation 1373099 (VCV001373099.5), dbSNP rs1217584608, ClinGen allele CA410696751.
Genomic context (GRCh38, chr22:20,053,502, plus strand): 5'-CTTGTCACCCACTTTCTGACCACTGACGTGGACAGCTTGTCCTACCTGAAGAAGGTCTCT[A>G]TGGAGGGCCATCTGTACAATGGCTTCAACCTCATAGCAGCCGACCTGAGGTGGGTCTGCC-3'
Protein context (NP_690870.3, residues 101-121): DSLSYLKKVS[Met111Val]EGHLYNGFNL